The following is an entry in ClinVar:

NM_001267550.2(TTN):c.96685G>A (p.Asp32229Asn)

Genes: TTN (titin; minus strand), TTN-AS1 (TTN antisense RNA 1; plus strand), LOC126806421 (CDK7 strongly-dependent group 2 enhancer GRCh37_chr2:179407630-179408829; plus strand). Cytogenetic location: 2q31.2.
Variant type: single nucleotide variant.
Coding change: c.96685G>A on transcript NM_001267550.2 (MANE Select); coding-DNA position 96685, G replaced by A.
Protein change: p.Asp32229Asn; replaces aspartic acid 32229 with asparagine.
Molecular consequence: missense variant.
Genome position (GRCh38, 1-based): chr2:178,543,288, C>T on the plus strand (G>A on the coding strand, the complement: TTN is on the minus strand). VCF-style: chr2-178543288-C-T. GRCh37 (hg19) VCF-style: chr2-179408015-C-T.
Other names: c.91762G>A, p.Asp30588Asn (NM_001256850.1); c.69490G>A, p.Asp23164Asn (NM_003319.4); c.88981G>A, p.Asp29661Asn (NM_133378.4); c.69865G>A, p.Asp23289Asn (NM_133432.3); c.70066G>A, p.Asp23356Asn (NM_133437.4); c.96685G>A (NM_001267550.1); short protein forms D32229N, D23164N, D30588N, D29661N, D23289N, D23356N.
Identifiers: ClinVar variation 405089 (VCV000405089.8), dbSNP rs770101398, ClinGen allele CA1986725.
Genomic context (GRCh38, chr2:178,543,288, plus strand): 5'-ATCTCTCTGTGCCAGCTTTGCAGGCCTCGAGAACATATCCAGTGAGTCGGCTACCACCAT[C>T]GTAGAGTGGTTTTTCCCAGGCAAGGGTAACAGTGGATTTGGTGACATCGACCACTTCTAG-3'
Protein context (NP_001254479.2, residues 32219-32239): VTLAWEKPLY[Asp32229Asn]GGSRLTGYVL

ClinVar aggregate classification (germline): Uncertain significance. Review status: criteria provided, multiple submitters, no conflicts (2 of 4 stars). 3 submissions from 3 submitters: Uncertain significance (3). Last evaluated 2024-08-13.

Conditions:
Dilated cardiomyopathy 1G (CMD1G). Identifiers: Orphanet 154, MedGen C1858763, MONDO:0011400, OMIM 604145.
Autosomal recessive limb-girdle muscular dystrophy type 2J (LGMDR10). Also called: Limb-girdle muscular dystrophy, type 2J; MUSCULAR DYSTROPHY, LIMB-GIRDLE, AUTOSOMAL RECESSIVE 10. Identifiers: Orphanet 140922, MedGen C1837342, MONDO:0012127, OMIM 608807.

Allele frequency attached by ClinVar (database versions not stated): ExAC 0.00001; gnomAD exomes 0.00001.
gnomAD v4.1: 16 of 1,613,818 alleles (0.00099%); highest among the groups gnomAD compares: South Asian, 0.0022%; no homozygotes.

Submissions (3):

GeneDx
Classification: Uncertain significance. Last evaluated: 2024-08-13. Review status: criteria provided, single submitter. Criteria: GeneDx Variant Classification Process June 2021. Collection method: clinical testing. Allele origin: germline. Affected: yes.
Comment: Has not been previously published as pathogenic or benign to our knowledge; Not observed at significant frequency in large population cohorts (gnomAD); Missense variant in a gene in which most reported pathogenic variants are truncating/loss-of-function

Revvity Omics, Revvity
Classification: Uncertain significance. Last evaluated: 2019-08-30. Review status: criteria provided, single submitter. Criteria: ACMG Guidelines, 2015. Collection method: clinical testing. Allele origin: germline.

Labcorp Genetics (formerly Invitae), Labcorp
Classification: Uncertain significance for Dilated cardiomyopathy 1G; Autosomal recessive limb-girdle muscular dystrophy type 2J. Last evaluated: 2016-04-23. Review status: criteria provided, single submitter. Criteria: Invitae Variant Classification Sherloc (09022015). Collection method: clinical testing. Allele origin: germline.